The following is an entry in ClinVar:

ClinVar aggregate classification (germline): Uncertain significance. Review status: criteria provided, multiple submitters, no conflicts (2 of 4 stars). 2 submissions from 2 submitters: Uncertain significance (2). Last evaluated 2022-01-15.

Conditions:
Inborn genetic diseases. Identifiers: MedGen C0950123, MeSH D030342.
Brown-Vialetto-van Laere syndrome 1. Also called: BROWN-VIALETTO-VAN LAERE SYNDROME 1, MILD; BULBAR PALSY, PROGRESSIVE, WITH SENSORINEURAL DEAFNESS; PONTOBULBAR PALSY WITH DEAFNESS. Identifiers: Orphanet 572550, Orphanet 97229, MedGen C0796274, MONDO:0024537, OMIM 211530.

Allele frequency attached by ClinVar (database versions not stated): gnomAD exomes below 0.00001; gnomAD 0.00001.
gnomAD v4.1: 2 of 1,602,916 alleles (0.00012%); highest among the groups gnomAD compares: Non-Finnish European, 0.00017%; no homozygotes.

Submissions (2):

Ambry Genetics
Classification: Uncertain significance for Inborn genetic diseases. Last evaluated: 2022-01-15. Review status: criteria provided, single submitter. Criteria: Ambry Variant Classification Scheme 2023. Collection method: clinical testing. Allele origin: germline.
Comment: The p.G102D variant (also known as c.305G>A), located in coding exon 1 of the SLC52A3 gene, results from a G to A substitution at nucleotide position 305. The glycine at codon 102 is replaced by aspartic acid, an amino acid with similar properties. This amino acid position is conserved. In addition, this alteration is predicted to be tolerated by in silico analysis. Since supporting evidence is limited at this time, the clinical significance of this alteration remains unclear.

Labcorp Genetics (formerly Invitae), Labcorp
Classification: Uncertain significance for Brown-Vialetto-van Laere syndrome 1. Last evaluated: 2021-08-26. Review status: criteria provided, single submitter. Criteria: Invitae Variant Classification Sherloc (09022015). Collection method: clinical testing. Allele origin: germline.
Comment: This sequence change replaces glycine with aspartic acid at codon 102 of the SLC52A3 protein (p.Gly102Asp). The glycine residue is weakly conserved and there is a moderate physicochemical difference between glycine and aspartic acid. This variant is not present in population databases (ExAC no frequency). This variant has not been reported in the literature in individuals affected with SLC52A3-related conditions. Algorithms developed to predict the effect of missense changes on protein structure and function (SIFT, PolyPhen-2, Align-GVGD) all suggest that this variant is likely to be tolerated. In summary, the available evidence is currently insufficient to determine the role of this variant in disease. Therefore, it has been classified as a Variant of Uncertain Significance.

NM_033409.4(SLC52A3):c.305G>A (p.Gly102Asp)

Gene: SLC52A3 (solute carrier family 52 member 3; minus strand). Cytogenetic location: 20p13.
Variant type: single nucleotide variant.
Coding change: c.305G>A on transcript NM_033409.4 (MANE Select); coding-DNA position 305, G replaced by A.
Protein change: p.Gly102Asp; replaces glycine 102 with aspartic acid.
Molecular consequence: missense variant.
Genome position (GRCh38, 1-based): chr20:765,470, C>T on the plus strand (G>A on the coding strand, the complement: SLC52A3 is on the minus strand). VCF-style: chr20-765470-C-T. GRCh37 (hg19) VCF-style: chr20-746114-C-T.
Other names: c.305G>A, p.Gly102Asp (NM_001370085.1, NM_001370086.1); short protein forms G102D.
Identifiers: ClinVar variation 854971 (VCV000854971.8), dbSNP rs888740621, ClinGen allele CA310679219.